The following is an entry in ClinVar:

ClinVar aggregate classification (germline): Likely pathogenic (1 of 4 stars; one submission).

Submission:

Labcorp Genetics (formerly Invitae), Labcorp
Classification: Likely pathogenic. Last evaluated: 2022-09-17. Review status: criteria provided, single submitter. Criteria: Invitae Variant Classification Sherloc (09022015). Collection method: clinical testing. Allele origin: germline.
Comment: In summary, the currently available evidence indicates that the variant is pathogenic, but additional data are needed to prove that conclusively. Therefore, this variant has been classified as Likely Pathogenic. Advanced modeling of protein sequence and biophysical properties (such as structural, functional, and spatial information, amino acid conservation, physicochemical variation, residue mobility, and thermodynamic stability) performed at Invitae indicates that this missense variant is expected to disrupt MAK protein function. This missense change has been observed in individual(s) with retinitis pigmentosa (Invitae). In at least one individual the data is consistent with being in trans (on the opposite chromosome) from a pathogenic variant. This variant is not present in population databases (gnomAD no frequency). This sequence change replaces glycine, which is neutral and non-polar, with arginine, which is basic and polar, at codon 11 of the MAK protein (p.Gly11Arg).

NM_001242957.3(MAK):c.31G>A (p.Gly11Arg)

Gene: MAK (male germ cell associated kinase; minus strand). Cytogenetic location: 6p24.2.
Variant type: single nucleotide variant.
Coding change: c.31G>A on transcript NM_001242957.3 (MANE Select); coding-DNA position 31, G replaced by A.
Protein change: p.Gly11Arg; replaces glycine 11 with arginine.
Molecular consequence: missense variant. On other transcripts: non-coding transcript variant (2), intron variant (1).
Genome position (GRCh38, 1-based): chr6:10,830,618, C>T on the plus strand (G>A on the coding strand, the complement: MAK is on the minus strand). VCF-style: chr6-10830618-C-T. GRCh37 (hg19) VCF-style: chr6-10830851-C-T.
Other names: c.31G>A, p.Gly11Arg (NM_001242385.2, NM_005906.6); c.-2+7885G>A (NM_001377262.1); short protein forms G11R.
Identifiers: ClinVar variation 2072414 (VCV002072414.4), dbSNP rs1778747154, ClinGen allele CA362721840.